The following is an entry in ClinVar:

ClinVar aggregate classification (germline): Uncertain significance (0 of 4 stars; one submission).

Conditions:
SEMA3F-related disorder. Also called: SEMA3F-related condition.

Submission:

PreventionGenetics, part of Exact Sciences
Classification: Uncertain significance for SEMA3F-related condition. Last evaluated: 2023-11-27. Review status: no assertion criteria provided. Collection method: clinical testing. Allele origin: germline.
Comment: The SEMA3F c.1075T>C variant is predicted to result in the amino acid substitution p.Phe359Leu. To our knowledge, this variant has not been reported in the literature or in a large population database, indicating this variant is rare. At this time, the clinical significance of this variant is uncertain due to the absence of conclusive functional and genetic evidence.

NM_004186.5(SEMA3F):c.1075T>C (p.Phe359Leu)

Gene: SEMA3F (semaphorin 3F; plus strand). Cytogenetic location: 3p21.31.
Variant type: single nucleotide variant.
Coding change: c.1075T>C on transcript NM_004186.5 (MANE Select); coding-DNA position 1075, T replaced by C.
Protein change: p.Phe359Leu; replaces phenylalanine 359 with leucine.
Molecular consequence: missense variant.
Genome position (GRCh38, 1-based): chr3:50,183,242, T>C. VCF-style: chr3-50183242-T-C. GRCh37 (hg19) VCF-style: chr3-50220675-T-C.
Other names: c.778T>C, p.Phe260Leu (NM_001318798.2); c.982T>C, p.Phe328Leu (NM_001318800.2); short protein forms F260L, F328L, F359L.
Identifiers: ClinVar variation 3356657 (VCV003356657.1).